The following is an entry in ClinVar:

ClinVar aggregate classification (germline): Uncertain significance (1 of 4 stars; one submission).

Submission:

Labcorp Genetics (formerly Invitae), Labcorp
Classification: Uncertain significance. Last evaluated: 2023-11-28. Review status: criteria provided, single submitter. Criteria: Invitae Variant Classification Sherloc (09022015). Collection method: clinical testing. Allele origin: germline.
Comment: This sequence change replaces phenylalanine, which is neutral and non-polar, with leucine, which is neutral and non-polar, at codon 96 of the CD59 protein (p.Phe96Leu). This variant is not present in population databases (gnomAD no frequency). This variant has not been reported in the literature in individuals affected with CD59-related conditions. ClinVar contains an entry for this variant (Variation ID: 1354058). Algorithms developed to predict the effect of missense changes on protein structure and function output the following: SIFT: "Not Available"; PolyPhen-2: "Benign"; Align-GVGD: "Not Available". The leucine amino acid residue is found in multiple mammalian species, which suggests that this missense change does not adversely affect protein function. In summary, the available evidence is currently insufficient to determine the role of this variant in disease. Therefore, it has been classified as a Variant of Uncertain Significance.

NM_000611.6(CD59):c.288T>G (p.Phe96Leu)

Gene: CD59 (CD59 molecule (CD59 blood group); minus strand). Cytogenetic location: 11p13.
Variant type: single nucleotide variant.
Coding change: c.288T>G on transcript NM_000611.6 (MANE Select); coding-DNA position 288, T replaced by G.
Protein change: p.Phe96Leu; replaces phenylalanine 96 with leucine.
Molecular consequence: missense variant.
Genome position (GRCh38, 1-based): chr11:33,710,225, A>C on the plus strand (T>G on the coding strand, the complement: CD59 is on the minus strand). VCF-style: chr11-33710225-A-C. GRCh37 (hg19) VCF-style: chr11-33731771-A-C.
Other names: c.288T>G, p.Phe96Leu (NM_001127223.1, NM_001127225.2, NM_001127226.2 and 4 more transcripts); short protein forms F96L.
Identifiers: ClinVar variation 1354058 (VCV001354058.8), dbSNP rs200170584, ClinGen allele CA380020057.